The following is an entry in ClinVar:

NM_001142966.3(GREB1L):c.2768C>T (p.Thr923Ile)

Gene: GREB1L (GREB1 like retinoic acid receptor coactivator; plus strand). Cytogenetic location: 18q11.1.
Variant type: single nucleotide variant.
Coding change: c.2768C>T on transcript NM_001142966.3 (MANE Select); coding-DNA position 2768, C replaced by T.
Protein change: p.Thr923Ile; replaces threonine 923 with isoleucine.
Molecular consequence: missense variant.
Genome position (GRCh38, 1-based): chr18:21,490,089, C>T. VCF-style: chr18-21490089-C-T. GRCh37 (hg19) VCF-style: chr18-19070050-C-T.
Other names: c.2897C>T, p.Thr966Ile (NM_001410867.1); c.2441C>T, p.Thr814Ile (NM_001410868.1); short protein forms T814I, T923I, T966I.
Identifiers: ClinVar variation 3389171 (VCV003389171.14).

ClinVar aggregate classification (germline): Uncertain significance (1 of 4 stars; one submission).

gnomAD v4.1: 3 of 1,551,808 alleles (0.00019%); highest among the groups gnomAD compares: Non-Finnish European, 0.00026%; no homozygotes.

Submission:

CeGaT Center for Human Genetics Tuebingen
Classification: Uncertain significance. Last evaluated: 2024-10-01. Review status: criteria provided, single submitter. Criteria: CeGaT Center For Human Genetics Tuebingen Variant Classification Criteria Version 2. Collection method: clinical testing. Allele origin: germline. Affected: yes. Observed: 1 variant allele.
Comment: GREB1L: PM2, PP2, PS4:Supporting